The following is an entry in ClinVar:

NM_015175.3(NBEAL2):c.5661A>C (p.Pro1887=)

Gene: NBEAL2 (neurobeachin like 2; plus strand). Cytogenetic location: 3p21.31.
Variant type: single nucleotide variant.
Coding change: c.5661A>C on transcript NM_015175.3 (MANE Select); coding-DNA position 5661, A replaced by C.
Protein change: p.Pro1887=; no amino-acid change (proline 1887 retained).
Molecular consequence: synonymous variant.
Genome position (GRCh38, 1-based): chr3:47,003,250, A>C. VCF-style: chr3-47003250-A-C. GRCh37 (hg19) VCF-style: chr3-47044740-A-C.
Other names: p.Pro1887=; c.5559A>C, p.Pro1853= (NM_001365116.2).
Identifiers: ClinVar variation 260585 (VCV000260585.10), dbSNP rs140548682, ClinGen allele CA2361617.
Genomic context (GRCh38, chr3:47,003,250, plus strand): 5'-ACCCACCGAGGAGGCCTCACTGCCTCTGGCAGTGACCAAAGAGGCCAAAGTGAGCACCCC[A>C]CCCGAGTTGCTGCAGGAGGACCAGCTCGGCGAGGACGAGCTGGCTGAGCTGGAGACCCCG-3'
Protein context (NP_055990.1, residues 1877-1897): AVTKEAKVST[Pro1887=]PELLQEDQLG

ClinVar aggregate classification (germline): Benign/Likely benign. Review status: criteria provided, multiple submitters, no conflicts (2 of 4 stars). 6 submissions from 6 submitters: Benign (5); Likely benign (1). Last evaluated 2026-01-25.

Conditions:
Gray platelet syndrome (GPS). Also called: BLEEDING DISORDER, PLATELET-TYPE, 4. Identifiers: Orphanet 721, MedGen C0272302, MONDO:0007686, OMIM 139090.

Allele frequency attached by ClinVar (database versions not stated): 1000 Genomes Project 30x 0.00796; 1000 Genomes Project 0.00799; ESP Exome Variant Server 0.01148; TOPMed 0.01194; gnomAD 0.01359 and 0.01370; gnomAD exomes 0.01440 and 0.02025; ExAC 0.01507.
gnomAD v4.1: 31,322 of 1,612,880 alleles (1.9%); highest among the groups gnomAD compares: Non-Finnish European, 2.2%; 367 homozygotes.

Submissions (6):

Labcorp Genetics (formerly Invitae), Labcorp
Classification: Benign. Last evaluated: 2026-01-25. Review status: criteria provided, single submitter. Criteria: Invitae Variant Classification Sherloc (09022015). Collection method: clinical testing. Allele origin: germline.

Mayo Clinic Laboratories, Mayo Clinic
Classification: Benign. Last evaluated: 2025-09-17. Review status: criteria provided, single submitter. Criteria: ACMG Guidelines, 2015. Collection method: clinical testing. Allele origin: germline. Observed: 12 variant alleles.
Comment: BS1, BS2, BP4, BP7

Blueprint Genetics
Classification: Likely benign. Last evaluated: 2024-11-26. Review status: criteria provided, single submitter. Criteria: ACMG Guidelines, 2015. Collection method: clinical testing. Allele origin: germline.

Illumina Laboratory Services, Illumina
Classification: Benign for Gray platelet syndrome. Last evaluated: 2018-01-13. Review status: criteria provided, single submitter. Criteria: ICSL Variant Classification Criteria 13 December 2019. Collection method: clinical testing. Allele origin: germline.
Comment: This variant was observed in the ICSL laboratory as part of a predisposition screen in an ostensibly healthy population. It had not been previously curated by ICSL or reported in the Human Gene Mutation Database (HGMD: prior to June 1st, 2018), and was therefore a candidate for classification through an automated scoring system. Utilizing variant allele frequency, disease prevalence and penetrance estimates, and inheritance mode, an automated score was calculated to assess if this variant is too frequent to cause the disease. Based on the score and internal cut-off values, a variant classified as benign is not then subjected to further curation. The score for this variant resulted in a classification of benign for this disease.

Breakthrough Genomics
Classification: Benign. Review status: criteria provided, single submitter. Criteria: ACMG Guidelines, 2015. Collection method: not provided. Allele origin: germline. Inheritance: Autosomal recessive inheritance. Affected: yes.

PreventionGenetics, part of Exact Sciences
Classification: Benign. Review status: criteria provided, single submitter. Criteria: ACMG Guidelines, 2015. Collection method: clinical testing. Allele origin: germline.